The following is an entry in ClinVar:

ClinVar aggregate classification (germline): Uncertain significance. Review status: criteria provided, single submitter (1 of 4 stars). 2 submissions from 2 submitters: Uncertain significance (1). 1 of the submissions does not count toward it. Last evaluated 2026-03-03.

Conditions:
Intellectual disability. Also called: intellectual disabilities; Intellectual developmental disorder; Intellectual functioning disability. Identifiers: MedGen C3714756, MeSH D008607, MONDO:0001071, HP:0001249.
Progressive myoclonic epilepsy type 3. Also called: EPILEPSY, PROGRESSIVE MYOCLONIC, 3, WITHOUT INTRACELLULAR INCLUSIONS; EPILEPSY, PROGRESSIVE MYOCLONIC, 3, WITH OR WITHOUT INTRACELLULAR INCLUSIONS; CEROID LIPOFUSCINOSIS, NEURONAL, 14; KCTD7-Related Progressive Myoclonic Epilepsy. Identifiers: Orphanet 263516, MedGen C2673257, MONDO:0012721, OMIM 611726.

Allele frequency attached by ClinVar (database versions not stated): TOPMed 0.00001; gnomAD exomes below 0.00001.
gnomAD v4.1: 2 of 1,614,162 alleles (0.00012%); highest among the groups gnomAD compares: Non-Finnish European, 0.00017%; no homozygotes.

Submissions (2):

Victorian Clinical Genetics Services, Murdoch Childrens Research Institute
Classification: Uncertain significance for Progressive myoclonic epilepsy type 3. Last evaluated: 2026-03-03. Review status: criteria provided, single submitter. Criteria: ACMG Guidelines, 2015. Collection method: clinical testing. Allele origin: germline. Affected: yes.
Comment: This variant is classified as VUS-3B. Evidence in support of pathogenic classification: Variant is present in gnomAD <0.01 for a recessive condition (v4: 2 heterozygote(s), 0 homozygote(s)). Evidence in support of benign classification: Missense variant predicted to be tolerated by in silico tool(s) or not conserved in placental mammals with a minor amino acid change. Additional information: Variant is predicted to result in a missense amino acid change from Val to Met; This variant is homozygous; This gene is associated with autosomal recessive disease; Previous evidence of pathogenicity for this variant is inconclusive. This variant has been classified as likely benign by a clinical laboratory in ClinVar, however no supportive information was provided in this submission; No published evidence of segregation with disease has been identified for this variant; No published functional evidence has been identified for this variant; No comparable missense variants have previous evidence for pathogenicity; Variant is located in the annotated KCTD C-terminal domain (DECIPHER). - Loss of function is a known mechanism of disease in this gene and is associated with epilepsy, progressive myoclonic 3, with or without intracellular inclusions (MIM#611726); Inheritance information for this variant is not currently available in this individual.

Centre de Biologie Pathologie Génétique, Centre Hospitalier Universitaire de Lille
Classification: Likely benign for Intellectual disability. Last evaluated: 2019-01-01. Review status: no assertion criteria provided. Collection method: clinical testing. Allele origin: inherited. Affected: yes. Not counted in ClinVar's aggregate classification.

NM_153033.5(KCTD7):c.775G>A (p.Val259Met)

Gene: KCTD7 (potassium channel tetramerization domain containing 7; plus strand). Cytogenetic location: 7q11.21.
Variant type: single nucleotide variant.
Coding change: c.775G>A on transcript NM_153033.5 (MANE Select); coding-DNA position 775, G replaced by A.
Protein change: p.Val259Met; replaces valine 259 with methionine.
Molecular consequence: missense variant.
Genome position (GRCh38, 1-based): chr7:66,639,137, G>A. VCF-style: chr7-66639137-G-A. GRCh37 (hg19) VCF-style: chr7-66104124-G-A.
Other names: c.775G>A, p.Val259Met (NM_001167961.2); short protein forms V259M.
Identifiers: ClinVar variation 975568 (VCV000975568.3), dbSNP rs1786654122, ClinGen allele CA367697540.